The following is an entry in ClinVar:

ClinVar aggregate classification (germline): Uncertain significance. Review status: criteria provided, multiple submitters, no conflicts (2 of 4 stars). 2 submissions from 2 submitters: Uncertain significance (2). Last evaluated 2026-05-20.

Conditions:
Cardiovascular phenotype. Identifiers: MedGen CN230736.
Spinocerebellar ataxia type 19/22 (SCA19). Also called: SPINOCEREBELLAR ATAXIA 22; SPINOCEREBELLAR ATAXIA 19. Identifiers: Orphanet 98772, MedGen C1846367, MONDO:0011819, OMIM 607346.

Allele frequency attached by ClinVar (database versions not stated): gnomAD exomes below 0.00001.
gnomAD v4.1: 2 of 1,614,066 alleles (0.00012%); highest among the groups gnomAD compares: Non-Finnish European, 0.00017%; no homozygotes.

Submissions (2):

Ambry Genetics
Classification: Uncertain significance for Cardiovascular phenotype. Last evaluated: 2026-05-20. Review status: criteria provided, single submitter. Criteria: Ambry Variant Classification Scheme 2023. Collection method: clinical testing. Allele origin: germline.
Comment: The p.T189S variant (also known as c.566C>G), located in coding exon 1 of the KCND3 gene, results from a C to G substitution at nucleotide position 566. The threonine at codon 189 is replaced by serine, an amino acid with similar properties. This amino acid position is conserved. In addition, this alteration is predicted to be deleterious by in silico analysis. Based on the available evidence, the clinical significance of this variant remains unclear.

Labcorp Genetics (formerly Invitae), Labcorp
Classification: Uncertain significance for Spinocerebellar ataxia type 19/22. Last evaluated: 2023-02-26. Review status: criteria provided, single submitter. Criteria: Invitae Variant Classification Sherloc (09022015). Collection method: clinical testing. Allele origin: germline.
Comment: This sequence change replaces threonine, which is neutral and polar, with serine, which is neutral and polar, at codon 189 of the KCND3 protein (p.Thr189Ser). This variant is not present in population databases (gnomAD no frequency). This variant has not been reported in the literature in individuals affected with KCND3-related conditions. ClinVar contains an entry for this variant (Variation ID: 2004277). Advanced modeling of protein sequence and biophysical properties (such as structural, functional, and spatial information, amino acid conservation, physicochemical variation, residue mobility, and thermodynamic stability) performed at Invitae indicates that this missense variant is not expected to disrupt KCND3 protein function. In summary, the available evidence is currently insufficient to determine the role of this variant in disease. Therefore, it has been classified as a Variant of Uncertain Significance.

NM_001378969.1(KCND3):c.566C>G (p.Thr189Ser)

Gene: KCND3 (potassium voltage-gated channel subfamily D member 3; minus strand). Cytogenetic location: 1p13.2.
Variant type: single nucleotide variant.
Coding change: c.566C>G on transcript NM_001378969.1 (MANE Select); coding-DNA position 566, C replaced by G.
Protein change: p.Thr189Ser; replaces threonine 189 with serine.
Molecular consequence: missense variant.
Genome position (GRCh38, 1-based): chr1:111,982,161, G>C on the plus strand (C>G on the coding strand, the complement: KCND3 is on the minus strand). VCF-style: chr1-111982161-G-C. GRCh37 (hg19) VCF-style: chr1-112524783-G-C.
Other names: c.566C>G, p.Thr189Ser (NM_001378970.1, NM_004980.5, NM_172198.3); short protein forms T189S.
Identifiers: ClinVar variation 2004277 (VCV002004277.5), dbSNP rs2525703817, ClinGen allele CA341821845.